The following is an entry in ClinVar:

NM_015978.3(TNNI3K):c.165C>A (p.Phe55Leu)

Genes: FPGT-TNNI3K (FPGT-TNNI3K readthrough; plus strand), TNNI3K (TNNI3 interacting kinase; plus strand). Cytogenetic location: 1p31.1.
Variant type: single nucleotide variant.
Coding change: c.165C>A on transcript NM_015978.3 (MANE Select); coding-DNA position 165, C replaced by A.
Protein change: p.Phe55Leu; replaces phenylalanine 55 with leucine.
Molecular consequence: missense variant.
Genome position (GRCh38, 1-based): chr1:74,249,474, C>A. VCF-style: chr1-74249474-C-A. GRCh37 (hg19) VCF-style: chr1-74715158-C-A.
Other names: c.468C>A, p.Phe156Leu (NM_001112808.3, NM_001199327.2); c.165C>A (NM_015978.2); short protein forms F55L, F156L.
Identifiers: ClinVar variation 1903286 (VCV001903286.7), dbSNP rs748943581, ClinGen allele CA908796.

ClinVar aggregate classification (germline): Uncertain significance. Review status: criteria provided, multiple submitters, no conflicts (2 of 4 stars). 3 submissions from 3 submitters: Uncertain significance (3). Last evaluated 2026-09-21.

Conditions:
Inborn genetic diseases. Identifiers: MedGen C0950123, MeSH D030342.
Cardiovascular phenotype. Identifiers: MedGen CN230736.

Allele frequency attached by ClinVar (database versions not stated): gnomAD exomes below 0.00001; TOPMed below 0.00001; ExAC 0.00002.
gnomAD v4.1: 2 of 1,613,230 alleles (0.00012%); highest among the groups gnomAD compares: Non-Finnish European, 0.00017%; no homozygotes.

Submissions (3):

Molecular Diagnostic Laboratory for Inherited Cardiovascular Disease, Montreal Heart Institute
Classification: Uncertain significance for Cardiovascular phenotype. Last evaluated: 2026-09-21. Review status: criteria provided, single submitter. Criteria: ACMG Guidelines, 2015. Collection method: clinical testing. Allele origin: germline. Affected: yes.
Comment: PM2

Ambry Genetics
Classification: Uncertain significance for Inborn genetic diseases. Last evaluated: 2025-08-20. Review status: criteria provided, single submitter. Criteria: Ambry Variant Classification Scheme 2023. Collection method: clinical testing. Allele origin: germline.

Labcorp Genetics (formerly Invitae), Labcorp
Classification: Uncertain significance. Last evaluated: 2025-07-06. Review status: criteria provided, single submitter. Criteria: Invitae Variant Classification Sherloc (09022015). Collection method: clinical testing. Allele origin: germline.
Comment: This sequence change replaces phenylalanine, which is neutral and non-polar, with leucine, which is neutral and non-polar, at codon 55 of the TNNI3K protein (p.Phe55Leu). This variant is present in population databases (rs748943581, gnomAD 0.002%). This variant has not been reported in the literature in individuals affected with TNNI3K-related conditions. ClinVar contains an entry for this variant (Variation ID: 1903286). Invitae Evidence Modeling of protein sequence and biophysical properties (such as structural, functional, and spatial information, amino acid conservation, physicochemical variation, residue mobility, and thermodynamic stability) indicates that this missense variant is not expected to disrupt TNNI3K protein function with a negative predictive value of 80%. In summary, the available evidence is currently insufficient to determine the role of this variant in disease. Therefore, it has been classified as a Variant of Uncertain Significance.